The following is an entry in ClinVar:

ClinVar aggregate classification (germline): Uncertain significance. Review status: criteria provided, multiple submitters, no conflicts (2 of 4 stars). 2 submissions from 2 submitters: Uncertain significance (2). Last evaluated 2024-10-22.

Conditions:
Inborn genetic diseases. Identifiers: MedGen C0950123, MeSH D030342.
Mendelian susceptibility to mycobacterial diseases due to complete IL12RB1 deficiency. Also called: IL12RB1 DEFICIENCY; Immunodeficiency 30. Identifiers: Orphanet 319552, MedGen C4013949, MONDO:0013955, OMIM 614891.

gnomAD v4.1: 21 of 1,612,358 alleles (0.0013%); highest among the groups gnomAD compares: Middle Eastern, 0.018%; no homozygotes.

Submissions (2):

Ambry Genetics
Classification: Uncertain significance for Inborn genetic diseases. Last evaluated: 2024-10-22. Review status: criteria provided, single submitter. Criteria: Ambry Variant Classification Scheme 2023. Collection method: clinical testing. Allele origin: germline.

Labcorp Genetics (formerly Invitae), Labcorp
Classification: Uncertain significance for Mendelian susceptibility to mycobacterial diseases due to complete IL12RB1 deficiency. Last evaluated: 2021-11-18. Review status: criteria provided, single submitter. Criteria: Invitae Variant Classification Sherloc (09022015). Collection method: clinical testing. Allele origin: germline.
Comment: This sequence change replaces arginine, which is basic and polar, with histidine, which is basic and polar, at codon 85 of the IL12RB1 protein (p.Arg85His). This variant is present in population databases (rs754415781, gnomAD 0.008%). This variant has not been reported in the literature in individuals affected with IL12RB1-related conditions. Algorithms developed to predict the effect of missense changes on protein structure and function output the following: SIFT: "Tolerated"; PolyPhen-2: "Benign"; Align-GVGD: "Class C0". The histidine amino acid residue is found in multiple mammalian species, which suggests that this missense change does not adversely affect protein function. In summary, the available evidence is currently insufficient to determine the role of this variant in disease. Therefore, it has been classified as a Variant of Uncertain Significance.

NM_005535.3(IL12RB1):c.254G>A (p.Arg85His)

Gene: IL12RB1 (interleukin 12 receptor subunit beta 1; minus strand). Cytogenetic location: 19p13.11.
Variant type: single nucleotide variant.
Coding change: c.254G>A on transcript NM_005535.3 (MANE Select); coding-DNA position 254, G replaced by A.
Protein change: p.Arg85His; replaces arginine 85 with histidine.
Molecular consequence: missense variant.
Genome position (GRCh38, 1-based): chr19:18,080,987, C>T on the plus strand (G>A on the coding strand, the complement: IL12RB1 is on the minus strand). VCF-style: chr19-18080987-C-T. GRCh37 (hg19) VCF-style: chr19-18191797-C-T.
Other names: c.254G>A, p.Arg85His (NM_001290023.2, NM_153701.3); c.374G>A, p.Arg125His (NM_001290024.2); short protein forms R125H, R85H.
Identifiers: ClinVar variation 1488967 (VCV001488967.4), dbSNP rs754415781, ClinGen allele CA9305275.
Genomic context (GRCh38, chr19:18,080,987, plus strand): 5'-ACCCCAGCCTGGTCGGAGAACTGCAGCCTGGTGGCTGAGCCGGCGGCGAAGTAGCAGCAG[C>T]GCCCGGAGCTAAGGCTGCAGCAGGAAGGAGGGTGTCAGTGCCGAGTCTGGGGTCCTAGTG-3'
Protein context (NP_005526.1, residues 75-95): HFLRCCLSSG[Arg85His]CCYFAAGSAT